The following is an entry in ClinVar:

NM_005534.4(IFNGR2):c.48CGC[3] (p.Ala21_Ala22del)

Genes: IFNGR2 (interferon gamma receptor 2; plus strand), LOC119266102 (IFNGR2 promoter region; plus strand). Cytogenetic location: 21q22.11.
Variant type: Microsatellite.
Coding change: c.48CGC[3] on transcript NM_005534.4 (MANE Select); three copies in a row of the 3-base unit CGC starting at c.48; the reference has five copies in a row; two copies, 6 bases deleted.
Protein change: p.Ala21_Ala22del.
Molecular consequence: inframe deletion.
Genome position (GRCh38, 1-based): chr21:33,403,600-33,403,605, CGCCGC deleted; deleting any 6 consecutive bases within chr21:33,403,591-33,403,605 gives the same sequence; the position shown is the placement nearest the transcript's 3' end. VCF-style (leftmost placement, unchanged base first): chr21-33403590-TCGCCGC-T. GRCh37 (hg19) VCF-style: chr21-34775896-TCGCCGC-T.
Other names: c.48CGC[3], p.Ala21_Ala22del (NM_001329128.2).
Identifiers: ClinVar variation 1000970 (VCV001000970.6), dbSNP rs765468464, ClinGen allele CA748817333.
Genomic context (GRCh38, chr21:33,403,590, plus strand): 5'-GAGCGCCCGGGGCCATGCGACCGACGCTGCTGTGGTCGCTGCTGCTGCTGCTCGGAGTCT[TCGCCGC>T]CGCCGCCGCGGCCCCGCCAGGTGAGCCGGGCCTGGGCCTCCGCGGCGGGACGCGGGCGCA-3'

ClinVar aggregate classification (germline): Uncertain significance (1 of 4 stars; one submission).

Conditions:
Immunodeficiency 28 (IMD28). Also called: IFNGR2 DEFICIENCY. Identifiers: Orphanet 319547, Orphanet 319574, MedGen C4013947, MONDO:0013953, OMIM 614889.

Submission:

Labcorp Genetics (formerly Invitae), Labcorp
Classification: Uncertain significance for Immunodeficiency 28. Last evaluated: 2021-08-27. Review status: criteria provided, single submitter. Criteria: Invitae Variant Classification Sherloc (09022015). Collection method: clinical testing. Allele origin: germline.
Comment: This variant, c.57_62del, results in the deletion of 2 amino acid(s) of the IFNGR2 protein (p.Ala21_Ala22del), but otherwise preserves the integrity of the reading frame. The frequency data for this variant in the population databases is considered unreliable, as metrics indicate insufficient coverage at this position in the ExAC database. This variant has not been reported in the literature in individuals affected with IFNGR2-related conditions. Experimental studies and prediction algorithms are not available or were not evaluated, and the functional significance of this variant is currently unknown. In summary, the available evidence is currently insufficient to determine the role of this variant in disease. Therefore, it has been classified as a Variant of Uncertain Significance.